The following is an entry in ClinVar:

ClinVar aggregate classification (germline): Likely benign (1 of 4 stars; one submission).

Conditions:
PKD1-related disorder. Also called: PKD1-related condition.

gnomAD v4.1: 3 of 1,605,388 alleles (0.00019%); highest among the groups gnomAD compares: Non-Finnish European, 0.00017%; no homozygotes.

Submission:

PreventionGenetics, part of Exact Sciences
Classification: Likely benign for PKD1-related condition. Last evaluated: 2026-03-02. Review status: criteria provided, single submitter. Criteria: ACMG Guidelines, 2015. Collection method: clinical testing. Allele origin: germline.
Comment: This variant is classified as likely benign based on ACMG/AMP sequence variant interpretation guidelines (Richards et al. 2015 PMID: 25741868, with internal and published modifications).

NM_001009944.3(PKD1):c.8802G>T (p.Leu2934=)

Gene: PKD1 (polycystin 1, transient receptor potential channel interacting; minus strand). Cytogenetic location: 16p13.3.
Variant type: single nucleotide variant.
Coding change: c.8802G>T on transcript NM_001009944.3 (MANE Select); coding-DNA position 8802, G replaced by T.
Protein change: p.Leu2934=; no amino-acid change (leucine 2934 retained).
Molecular consequence: synonymous variant.
Genome position (GRCh38, 1-based): chr16:2,102,960, C>A on the plus strand (G>T on the coding strand, the complement: PKD1 is on the minus strand). VCF-style: chr16-2102960-C-A. GRCh37 (hg19) VCF-style: chr16-2152961-C-A.
Other names: c.8802G>T, p.Leu2934= (NM_000296.4).
Identifiers: ClinVar variation 4978086 (VCV004978086.1).